The following is an entry in ClinVar:

NM_002691.4(POLD1):c.2455G>A (p.Asp819Asn)

Gene: POLD1 (DNA polymerase delta 1, catalytic subunit; plus strand). Cytogenetic location: 19q13.33.
Variant type: single nucleotide variant.
Coding change: c.2455G>A on transcript NM_002691.4 (MANE Select); coding-DNA position 2455, G replaced by A.
Protein change: p.Asp819Asn; replaces aspartic acid 819 with asparagine.
Molecular consequence: missense variant. On other transcripts: non-coding transcript variant (1).
Genome position (GRCh38, 1-based): chr19:50,414,881, G>A. VCF-style: chr19-50414881-G-A. GRCh37 (hg19) VCF-style: chr19-50918138-G-A.
Other names: c.2455G>A, p.Asp819Asn (NM_001256849.1); c.2533G>A, p.Asp845Asn (NM_001308632.1); c.2455G>A (NM_002691.2); short protein forms D819N, D845N.
Identifiers: ClinVar variation 469264 (VCV000469264.17), dbSNP rs372947760, ClinGen allele CA9596531.
Genomic context (GRCh38, chr19:50,414,881, plus strand): 5'-TTCCCATACCTGCTTATCAGCAAGAAGCGCTACGCGGGCCTGCTCTTCTCCTCCCGGCCC[G>A]ACGCCCACGACCGCATGGACTGCAAGGGCCTGGAGGCCGTGCGCAGGGACAACTGCCCCC-3'
Protein context (NP_002682.2, residues 809-829): YAGLLFSSRP[Asp819Asn]AHDRMDCKGL

ClinVar aggregate classification (germline): Uncertain significance. Review status: criteria provided, multiple submitters, no conflicts (2 of 4 stars). 4 submissions from 4 submitters: Uncertain significance (4). Last evaluated 2025-08-11.

Conditions:
Hereditary cancer-predisposing syndrome. Also called: Neoplastic Syndromes, Hereditary; Hereditary neoplastic syndrome; Tumor predisposition; Hereditary Cancer Syndrome. Identifiers: Orphanet 140162, MedGen C0027672, MeSH D009386, MONDO:0015356.
Mandibular hypoplasia-deafness-progeroid syndrome. Also called: Mandibular hypoplasia, deafness, progeroid features, and lipodystrophy syndrome. Identifiers: Orphanet 363649, MedGen C3715192, MONDO:0014157, OMIM 615381.
Immunodeficiency 120. Identifiers: MedGen C5935622, MONDO:0970994, OMIM 620836.
POLD1-related polyposis and colorectal cancer syndrome (CRCS10). Also called: Colorectal cancer 10; COLORECTAL CANCER, SUSCEPTIBILITY TO, ON CHROMOSOME 19q; Colorectal cancer, susceptibility to, 10. Identifiers: Orphanet 220460, MedGen C2675481, MONDO:0012953, OMIM 612591.

Allele frequency attached by ClinVar (database versions not stated): gnomAD exomes below 0.00001 and 0.00001; ExAC 0.00002; TOPMed 0.00002; gnomAD 0.00004; ESP Exome Variant Server 0.00008.
gnomAD v4.1: 11 of 1,606,858 alleles (0.00068%); highest among the groups gnomAD compares: African/African-American, 0.012%; no homozygotes.

Submissions (4):

Labcorp Genetics (formerly Invitae), Labcorp
Classification: Uncertain significance for POLD1-related polyposis and colorectal cancer syndrome. Last evaluated: 2025-08-11. Review status: criteria provided, single submitter. Criteria: Invitae Variant Classification Sherloc (09022015). Collection method: clinical testing. Allele origin: germline.
Comment: This sequence change replaces aspartic acid, which is acidic and polar, with asparagine, which is neutral and polar, at codon 819 of the POLD1 protein (p.Asp819Asn). This variant is present in population databases (rs372947760, gnomAD 0.008%). This variant has not been reported in the literature in individuals affected with POLD1-related conditions. ClinVar contains an entry for this variant (Variation ID: 469264). Invitae Evidence Modeling of protein sequence and biophysical properties (such as structural, functional, and spatial information, amino acid conservation, physicochemical variation, residue mobility, and thermodynamic stability) indicates that this missense variant is not expected to disrupt POLD1 protein function with a negative predictive value of 80%. In summary, the available evidence is currently insufficient to determine the role of this variant in disease. Therefore, it has been classified as a Variant of Uncertain Significance.

Ambry Genetics
Classification: Uncertain significance for Hereditary cancer-predisposing syndrome. Last evaluated: 2025-04-11. Review status: criteria provided, single submitter. Criteria: Ambry Variant Classification Scheme 2023. Collection method: clinical testing. Allele origin: germline.

Fulgent Genetics
Classification: Uncertain significance for POLD1-related polyposis and colorectal cancer syndrome; Mandibular hypoplasia-deafness-progeroid syndrome; Immunodeficiency 120. Last evaluated: 2024-04-16. Review status: criteria provided, single submitter. Criteria: ACMG Guidelines, 2015. Collection method: clinical testing. Allele origin: germline.

GeneDx
Classification: Uncertain significance. Last evaluated: 2023-10-03. Review status: criteria provided, single submitter. Criteria: GeneDx Variant Classification Process June 2021. Collection method: clinical testing. Allele origin: germline. Affected: yes.
Comment: Not observed at significant frequency in large population cohorts (gnomAD); In silico analysis supports that this missense variant has a deleterious effect on protein structure/function; Has not been previously published as pathogenic or benign to our knowledge